The following is an entry in ClinVar:

ClinVar aggregate classification (germline): Uncertain significance. Review status: criteria provided, multiple submitters, no conflicts (2 of 4 stars). 2 submissions from 2 submitters: Uncertain significance (2). Last evaluated 2025-10-30.

Conditions:
Hereditary pheochromocytoma and paraganglioma. Also called: Hereditary paragangliomas and pheochromocytomas; Hereditary Paraganglioma-Pheochromocytoma Syndromes; Hereditary pheochromocytoma-paraganglioma. Identifiers: Orphanet 29072, MedGen C4274332, MONDO:0017366.
Hereditary cancer-predisposing syndrome. Also called: Tumor predisposition; Hereditary Cancer Syndrome; Hereditary neoplastic syndrome; Neoplastic Syndromes, Hereditary. Identifiers: Orphanet 140162, MedGen C0027672, MeSH D009386, MONDO:0015356.

Allele frequency attached by ClinVar (database versions not stated): gnomAD exomes below 0.00001.

Submissions (2):

Ambry Genetics
Classification: Uncertain significance for Hereditary cancer-predisposing syndrome. Last evaluated: 2025-10-30. Review status: criteria provided, single submitter. Criteria: Ambry Variant Classification Scheme 2023. Collection method: clinical testing. Allele origin: germline.
Comment: The p.P40L variant (also known as c.119C>T), located in coding exon 2 of the SDHAF2 gene, results from a C to T substitution at nucleotide position 119. The proline at codon 40 is replaced by leucine, an amino acid with similar properties. This amino acid position is conserved. In addition, this alteration is predicted to be tolerated by in silico analysis. Based on the available evidence, the clinical significance of this variant remains unclear.

Labcorp Genetics (formerly Invitae), Labcorp
Classification: Uncertain significance for Hereditary pheochromocytoma and paraganglioma. Last evaluated: 2023-04-22. Review status: criteria provided, single submitter. Criteria: Invitae Variant Classification Sherloc (09022015). Collection method: clinical testing. Allele origin: germline.
Comment: This variant has not been reported in the literature in individuals affected with SDHAF2-related conditions. This variant is not present in population databases (gnomAD no frequency). This sequence change replaces proline, which is neutral and non-polar, with leucine, which is neutral and non-polar, at codon 40 of the SDHAF2 protein (p.Pro40Leu). ClinVar contains an entry for this variant (Variation ID: 1922898). In summary, the available evidence is currently insufficient to determine the role of this variant in disease. Therefore, it has been classified as a Variant of Uncertain Significance. An algorithm developed to predict the effect of missense changes on protein structure and function (PolyPhen-2) suggests that this variant is likely to be tolerated.

NM_017841.4(SDHAF2):c.119C>T (p.Pro40Leu)

Gene: SDHAF2 (succinate dehydrogenase complex assembly factor 2; plus strand). Cytogenetic location: 11q12.2.
Variant type: single nucleotide variant.
Coding change: c.119C>T on transcript NM_017841.4 (MANE Select); coding-DNA position 119, C replaced by T.
Protein change: p.Pro40Leu; replaces proline 40 with leucine.
Molecular consequence: missense variant.
Genome position (GRCh38, 1-based): chr11:61,437,707, C>T. VCF-style: chr11-61437707-C-T. GRCh37 (hg19) VCF-style: chr11-61205179-C-T.
Other names: short protein forms P40L.
Identifiers: ClinVar variation 1922898 (VCV001922898.6), dbSNP rs2540124144, ClinGen allele CA380683166.